The following is an entry in ClinVar:

ClinVar aggregate classification (germline): Uncertain significance. Review status: criteria provided, multiple submitters, no conflicts (2 of 4 stars). 4 submissions from 4 submitters: Uncertain significance (3). 1 of the submissions does not count toward it. Last evaluated 2025-07-29.

Conditions:
Myofibrillar myopathy 5. Also called: FILAMINOPATHY, AUTOSOMAL DOMINANT; Filaminopathy (type). Identifiers: Orphanet 171445, MedGen C1836050, MONDO:0012289, OMIM 609524.
Distal myopathy with posterior leg and anterior hand involvement. Also called: WILLIAMS DISTAL MYOPATHY. Identifiers: Orphanet 63273, MedGen C3279722, MONDO:0013550, OMIM 614065.
Hypertrophic cardiomyopathy 26. Also called: Cardiomyopathy, familial hypertrophic, 26. Identifiers: Orphanet 75249, MedGen C4310749, MONDO:0014883, OMIM 617047.
Cardiovascular phenotype. Identifiers: MedGen CN230736.

Allele frequency attached by ClinVar (database versions not stated): gnomAD exomes 0.00001.
gnomAD v4.1: 12 of 1,585,624 alleles (0.00076%); highest among the groups gnomAD compares: South Asian, 0.0023%; no homozygotes.

Submissions (4):

Ambry Genetics
Classification: Uncertain significance for Cardiovascular phenotype. Last evaluated: 2025-07-29. Review status: criteria provided, single submitter. Criteria: Ambry Variant Classification Scheme 2023. Collection method: clinical testing. Allele origin: germline.
Comment: The p.D227N variant (also known as c.679G>A), located in coding exon 3 of the FLNC gene, results from a G to A substitution at nucleotide position 679. The aspartic acid at codon 227 is replaced by asparagine, an amino acid with highly similar properties. This amino acid position is conserved. In addition, this alteration is predicted to be tolerated by in silico analysis. Based on the available evidence, the clinical significance of this variant remains unclear.

GeneDx
Classification: Uncertain significance. Last evaluated: 2025-01-16. Review status: criteria provided, single submitter. Criteria: GeneDx Variant Classification Process June 2021. Collection method: clinical testing. Allele origin: germline. Affected: yes.
Comment: Not observed at significant frequency in large population cohorts (gnomAD); In silico analysis supports that this missense variant has a deleterious effect on protein structure/function; Has not been previously published as pathogenic or benign to our knowledge

Labcorp Genetics (formerly Invitae), Labcorp
Classification: Uncertain significance for Distal myopathy with posterior leg and anterior hand involvement; Myofibrillar myopathy 5; Hypertrophic cardiomyopathy 26. Last evaluated: 2022-04-10. Review status: criteria provided, single submitter. Criteria: Invitae Variant Classification Sherloc (09022015). Collection method: clinical testing. Allele origin: germline.
Comment: Algorithms developed to predict the effect of missense changes on protein structure and function are either unavailable or do not agree on the potential impact of this missense change (SIFT: "Deleterious"; PolyPhen-2: "Probably Damaging"; Align-GVGD: "Class C0"). In summary, the available evidence is currently insufficient to determine the role of this variant in disease. Therefore, it has been classified as a Variant of Uncertain Significance. This variant has not been reported in the literature in individuals affected with FLNC-related conditions. This sequence change replaces aspartic acid, which is acidic and polar, with asparagine, which is neutral and polar, at codon 227 of the FLNC protein (p.Asp227Asn). This variant is not present in population databases (gnomAD no frequency).

Clinical Genetics Laboratory, University Hospital Schleswig-Holstein
Classification: Uncertain significance for Distal myopathy with posterior leg and anterior hand involvement; Myofibrillar myopathy 5. Last evaluated: 2024-02-08. Review status: no assertion criteria provided. Collection method: clinical testing. Allele origin: germline. Affected: yes. Not counted in ClinVar's aggregate classification.

NM_001458.5(FLNC):c.679G>A (p.Asp227Asn)

Gene: FLNC (filamin C; plus strand). Cytogenetic location: 7q32.1.
Variant type: single nucleotide variant.
Coding change: c.679G>A on transcript NM_001458.5 (MANE Select); coding-DNA position 679, G replaced by A.
Protein change: p.Asp227Asn; replaces aspartic acid 227 with asparagine.
Molecular consequence: missense variant.
Genome position (GRCh38, 1-based): chr7:128,837,237, G>A. VCF-style: chr7-128837237-G-A. GRCh37 (hg19) VCF-style: chr7-128477291-G-A.
Other names: c.679G>A, p.Asp227Asn (NM_001127487.2); short protein forms D227N.
Identifiers: ClinVar variation 1903571 (VCV001903571.8), dbSNP rs1266361617, ClinGen allele CA369221494.